The following is an entry in ClinVar:

ClinVar aggregate classification (germline): Conflicting classifications of pathogenicity. Review status: criteria provided, conflicting classifications (1 of 4 stars). 6 submissions from 6 submitters: Uncertain significance (1); Benign (3). 2 of the submissions do not count toward it. Last evaluated 2026-01-02.

Conditions:
Bardet-Biedl syndrome 10 (BBS10). Identifiers: Orphanet 110, MedGen C1859568, MONDO:0014438, OMIM 615987.
BBS10-related disorder. Also called: BBS10-related condition.
Bardet-Biedl syndrome (BBS). Identifiers: Orphanet 110, MedGen C0752166, MONDO:0015229.

Allele frequency attached by ClinVar (database versions not stated): gnomAD 0.00008 and 0.00013; TOPMed 0.00008; gnomAD exomes 0.00018 and 0.00039; ExAC 0.00030; ESP Exome Variant Server 0.00031.
gnomAD v4.1: 281 of 1,613,908 alleles (0.017%); highest among the groups gnomAD compares: South Asian, 0.17%; 1 homozygote.

Submissions (6):

Labcorp Genetics (formerly Invitae), Labcorp
Classification: Benign for Bardet-Biedl syndrome. Last evaluated: 2026-01-02. Review status: criteria provided, single submitter. Criteria: Invitae Variant Classification Sherloc (09022015). Collection method: clinical testing. Allele origin: germline.

Blueprint Genetics
Classification: Benign. Last evaluated: 2024-07-09. Review status: criteria provided, single submitter. Criteria: ACMG Guidelines, 2015. Collection method: clinical testing. Allele origin: germline.

Revvity Omics, Revvity
Classification: Uncertain significance for Bardet-Biedl syndrome 10. Last evaluated: 2021-07-21. Review status: criteria provided, single submitter. Criteria: ACMG Guidelines, 2015. Collection method: clinical testing. Allele origin: germline.

Breakthrough Genomics
Classification: Benign. Review status: criteria provided, single submitter. Criteria: ACMG Guidelines, 2015. Collection method: not provided. Allele origin: germline. Inheritance: Autosomal recessive inheritance. Affected: yes.

PreventionGenetics, part of Exact Sciences
Classification: Likely benign for BBS10-related condition. Last evaluated: 2021-05-11. Review status: no assertion criteria provided. Collection method: clinical testing. Allele origin: germline. Not counted in ClinVar's aggregate classification.
Comment: This variant is classified as likely benign based on ACMG/AMP sequence variant interpretation guidelines (Richards et al. 2015 PMID: 25741868, with internal and published modifications).

Natera, Inc.
Classification: Benign for Bardet-Biedl syndrome type 10. Last evaluated: 2020-09-29. Review status: no assertion criteria provided. Collection method: clinical testing. Allele origin: germline. Not counted in ClinVar's aggregate classification.

NM_024685.4(BBS10):c.1265G>A (p.Arg422Gln)

Gene: BBS10 (Bardet-Biedl syndrome 10; minus strand). Cytogenetic location: 12q21.2.
Variant type: single nucleotide variant.
Coding change: c.1265G>A on transcript NM_024685.4 (MANE Select); coding-DNA position 1265, G replaced by A.
Protein change: p.Arg422Gln; replaces arginine 422 with glutamine.
Molecular consequence: missense variant.
Genome position (GRCh38, 1-based): chr12:76,346,720, C>T on the plus strand (G>A on the coding strand, the complement: BBS10 is on the minus strand). VCF-style: chr12-76346720-C-T. GRCh37 (hg19) VCF-style: chr12-76740500-C-T.
Other names: short protein forms R422Q.
Identifiers: ClinVar variation 698876 (VCV000698876.18), dbSNP rs138961848, ClinGen allele CA6694199.